The following is an entry in ClinVar:

ClinVar aggregate classification (germline): Conflicting classifications of pathogenicity. Review status: criteria provided, conflicting classifications (1 of 4 stars). 3 submissions from 3 submitters: Uncertain significance (2); Likely benign (1). Last evaluated 2026-03-28.

Conditions:
Aicardi-Goutieres syndrome 6 (AGS6). Identifiers: Orphanet 51, MedGen C3539013, MONDO:0014007, OMIM 615010.
Symmetrical dyschromatosis of extremities (DSH). Also called: SYMMETRIC DYSCHROMATOSIS OF THE EXTREMITIES; DYSCHROMATOSIS SYMMETRICA HEREDITARIA 1; Dyschromatosis symmetrica hereditaria; RETICULATE ACROPIGMENTATION OF DOHI. Identifiers: Orphanet 41, MedGen C0406775, MONDO:0007483, OMIM 127400.

Submissions (3):

Dasa
Classification: Uncertain significance. Last evaluated: 2026-03-28. Review status: criteria provided, single submitter. Criteria: DASA Assertion Criteria. Collection method: clinical testing. Allele origin: germline.
Comment: NM_001111.5(ADAR):c.15+4A>G is a splice-region variant predicted to affect normal RNA splicing. This variant is absent from population databases. Computational prediction algorithms are consistent with a deleterious effect. The currently available literature and clinical evidence are not sufficient to establish a definitive association between this variant and the reported condition. Therefore, this variant is classified as a variant of uncertain significance.

Labcorp Genetics (formerly Invitae), Labcorp
Classification: Uncertain significance for Aicardi-Goutieres syndrome 6; Symmetrical dyschromatosis of extremities. Last evaluated: 2024-02-23. Review status: criteria provided, single submitter. Criteria: Invitae Variant Classification Sherloc (09022015). Collection method: clinical testing. Allele origin: germline.
Comment: This sequence change falls in intron 1 of the ADAR gene. It does not directly change the encoded amino acid sequence of the ADAR protein. It affects a nucleotide within the consensus splice site. This variant is not present in population databases (gnomAD no frequency). This variant has not been reported in the literature in individuals affected with ADAR-related conditions. ClinVar contains an entry for this variant (Variation ID: 1470314). Variants that disrupt the consensus splice site are a relatively common cause of aberrant splicing (PMID: 17576681, 9536098). Algorithms developed to predict the effect of sequence changes on RNA splicing suggest that this variant is not likely to affect RNA splicing. In summary, the available evidence is currently insufficient to determine the role of this variant in disease. Therefore, it has been classified as a Variant of Uncertain Significance.

Blueprint Genetics
Classification: Likely benign. Last evaluated: 2023-09-08. Review status: criteria provided, single submitter. Criteria: ACMG Guidelines, 2015. Collection method: clinical testing. Allele origin: germline.

Literature cited by the submitters: PubMed 17576681 (cited by Labcorp Genetics (formerly Invitae), Labcorp); PubMed 9536098 (cited by Labcorp Genetics (formerly Invitae), Labcorp).

NM_001111.5(ADAR):c.15+4A>G

Genes: ADAR (adenosine deaminase RNA specific; minus strand), LOC129931512 (ATAC-STARR-seq lymphoblastoid silent region 1364; plus strand). Cytogenetic location: 1q21.3.
Variant type: single nucleotide variant.
Coding change: c.15+4A>G on transcript NM_001111.5 (MANE Select); 4 bases into the intron after coding-DNA position 15, A replaced by G.
Molecular consequence: intron variant.
Genome position (GRCh38, 1-based): chr1:154,607,988, T>C on the plus strand (A>G on the coding strand, the complement: ADAR is on the minus strand). VCF-style: chr1-154607988-T-C. GRCh37 (hg19) VCF-style: chr1-154580464-T-C.
Other names: c.-734-5362A>G (NM_001365046.1); c.43-5362A>G (NM_001365045.1); c.-870-5362A>G (NM_001025107.3); c.-871+763A>G (NM_001365048.1); c.-735+4A>G (NM_001365049.1, NM_001365047.1); c.15+4A>G (NM_015841.4, NM_015840.4).
Identifiers: ClinVar variation 1470314 (VCV001470314.9), dbSNP rs2101670089, ClinGen allele CA2573131078.